The following is an entry in ClinVar:

NM_005026.5(PIK3CD):c.1306G>T (p.Glu436Ter)

Genes: PIK3CD (phosphatidylinositol-4,5-bisphosphate 3-kinase catalytic subunit delta; plus strand), LOC126805612 (MED14-independent group 3 enhancer GRCh37_chr1:9778914-9780113; plus strand). Cytogenetic location: 1p36.22.
Variant type: single nucleotide variant.
Coding change: c.1306G>T on transcript NM_005026.5 (MANE Select); coding-DNA position 1306, G replaced by T.
Protein change: p.Glu436Ter; replaces glutamic acid 436 with a stop codon.
Molecular consequence: nonsense.
Genome position (GRCh38, 1-based): chr1:9,719,984, G>T. VCF-style: chr1-9719984-G-T. GRCh37 (hg19) VCF-style: chr1-9780042-G-T.
Other names: c.1306G>T, p.Glu436Ter (NM_001350234.2); c.1219G>T, p.Glu407Ter (NM_001350235.1); short protein forms E407*, E436*.
Identifiers: ClinVar variation 2758361 (VCV002758361.3), dbSNP rs747483450, ClinGen allele CA338302580.

ClinVar aggregate classification (germline): Pathogenic (1 of 4 stars; one submission).

Conditions:
Immunodeficiency 14 (IMD14A). Also called: p110-DELTA-ACTIVATING MUTATION CAUSING SENESCENT T CELLS, LYMPHADENOPATHY, AND IMMUNODEFICIENCY; IMMUNODEFICIENCY 14A WITH LYMPHOPROLIFERATION, AUTOSOMAL DOMINANT; ACTIVATED PI3K-DELTA SYNDROME 1; Activated PI3K Delta Syndrome Type 1 (APDS1). Identifiers: Orphanet 397596, Orphanet 693661, MedGen C5907821, MONDO:0014222, OMIM 615513.

Submission:

Labcorp Genetics (formerly Invitae), Labcorp
Classification: Pathogenic for Activated PI3K-delta syndrome. Last evaluated: 2025-06-17. Review status: criteria provided, single submitter. Criteria: Invitae Variant Classification Sherloc (09022015). Collection method: clinical testing. Allele origin: germline.
Comment: This sequence change creates a premature translational stop signal (p.Glu436*) in the PIK3CD gene. It is expected to result in an absent or disrupted protein product. Loss-of-function variants in PIK3CD are known to be pathogenic (PMID: 30040974, 31073077). This variant is not present in population databases (gnomAD no frequency). This variant has not been reported in the literature in individuals affected with PIK3CD-related conditions. ClinVar contains an entry for this variant (Variation ID: 2758361). Algorithms developed to predict the effect of sequence changes on RNA splicing suggest that this variant may disrupt the consensus splice site. For these reasons, this variant has been classified as Pathogenic.

Literature cited by the submitters: PubMed 30040974; PubMed 31073077.